The following is an entry in ClinVar:

NM_006766.5(KAT6A):c.4517A>G (p.Glu1506Gly)

Gene: KAT6A (lysine acetyltransferase 6A; minus strand). Cytogenetic location: 8p11.21.
Variant type: single nucleotide variant.
Coding change: c.4517A>G on transcript NM_006766.5 (MANE Select); coding-DNA position 4517, A replaced by G.
Protein change: p.Glu1506Gly; replaces glutamic acid 1506 with glycine.
Molecular consequence: missense variant.
Genome position (GRCh38, 1-based): chr8:41,933,703, T>C on the plus strand (A>G on the coding strand, the complement: KAT6A is on the minus strand). VCF-style: chr8-41933703-T-C. GRCh37 (hg19) VCF-style: chr8-41791221-T-C.
Other names: short protein forms E1506G.
Identifiers: ClinVar variation 1713513 (VCV001713513.7), dbSNP rs2486754493, ClinGen allele CA371065655.
Genomic context (GRCh38, chr8:41,933,703, plus strand): 5'-TTCTGCATAGAGGGTGCGGACAGGGATCCTTGTTCTGGGCTGATCTGGGTGTAGCCACTC[T>C]CAAGGGCAGGCACGTTGGGACTGCTGACCGAACGGACTGACTGGCTGGGGTGAGACTGAA-3'
Protein context (NP_006757.2, residues 1496-1516): SVSSPNVPAL[Glu1506Gly]SGYTQISPEQ

ClinVar aggregate classification (germline): Uncertain significance. Review status: criteria provided, multiple submitters, no conflicts (2 of 4 stars). 2 submissions from 2 submitters: Uncertain significance (2). Last evaluated 2023-01-06.

Conditions:
Autosomal dominant intellectual disability-craniofacial anomalies-cardiac defects syndrome (ARTHS). Also called: Mental retardation, autosomal dominant 32; KAT6A syndrome; Arboleda-Tham syndrome. Identifiers: Orphanet 457193, MedGen C4225396, MONDO:0014558, OMIM 616268.

Submissions (2):

Laboratorio de Genetica e Diagnostico Molecular, Hospital Israelita Albert Einstein
Classification: Uncertain significance for Autosomal dominant intellectual disability-craniofacial anomalies-cardiac defects syndrome. Last evaluated: 2023-01-06. Review status: criteria provided, single submitter. Criteria: ACMG Guidelines, 2015. Collection method: clinical testing. Allele origin: germline. Affected: yes.
Comment: ACMG classification criteria: PM2 moderate, BP4 supporting

Labcorp Genetics (formerly Invitae), Labcorp
Classification: Uncertain significance. Last evaluated: 2022-11-01. Review status: criteria provided, single submitter. Criteria: Invitae Variant Classification Sherloc (09022015). Collection method: clinical testing. Allele origin: germline.
Comment: This variant has not been reported in the literature in individuals affected with KAT6A-related conditions. In summary, the available evidence is currently insufficient to determine the role of this variant in disease. Therefore, it has been classified as a Variant of Uncertain Significance. Algorithms developed to predict the effect of missense changes on protein structure and function are either unavailable or do not agree on the potential impact of this missense change (SIFT: "Tolerated"; PolyPhen-2: "Not Available"; Align-GVGD: "Class C0"). This variant is not present in population databases (gnomAD no frequency). This sequence change replaces glutamic acid, which is acidic and polar, with glycine, which is neutral and non-polar, at codon 1506 of the KAT6A protein (p.Glu1506Gly).